The following is an entry in ClinVar:

ClinVar aggregate classification (germline): Uncertain significance. Review status: criteria provided, multiple submitters, no conflicts (2 of 4 stars). 3 submissions from 3 submitters: Uncertain significance (3). Last evaluated 2025-11-12.

Conditions:
Norman-Roberts syndrome (LIS2). Also called: Lissencephaly 2 (Norman-Roberts type). Identifiers: Orphanet 89844, MedGen C0796089, MONDO:0009760, OMIM 257320.
Familial temporal lobe epilepsy 7. Identifiers: Orphanet 101046, MedGen C4225327, MONDO:0014639, OMIM 616436.
Inborn genetic diseases. Identifiers: MedGen C0950123, MeSH D030342.

Allele frequency attached by ClinVar (database versions not stated): gnomAD exomes 0.00002 and 0.00003; ExAC 0.00003; gnomAD 0.00005 and 0.00006; TOPMed 0.00005; 1000 Genomes Project 30x 0.00016; 1000 Genomes Project 0.00020.

Submissions (3):

Labcorp Genetics (formerly Invitae), Labcorp
Classification: Uncertain significance for Familial temporal lobe epilepsy 7; Norman-Roberts syndrome. Last evaluated: 2025-11-12. Review status: criteria provided, single submitter. Criteria: Invitae Variant Classification Sherloc (09022015). Collection method: clinical testing. Allele origin: germline.
Comment: This sequence change replaces arginine, which is basic and polar, with glutamine, which is neutral and polar, at codon 3453 of the RELN protein (p.Arg3453Gln). This variant is present in population databases (rs200731411, gnomAD 0.005%). This missense change has been observed in individual(s) with clinical features of RELN-related conditions and/or RELN-related conditions (PMID: 33004838; internal data). ClinVar contains an entry for this variant (Variation ID: 838111). Invitae Evidence Modeling of protein sequence and biophysical properties (such as structural, functional, and spatial information, amino acid conservation, physicochemical variation, residue mobility, and thermodynamic stability) indicates that this missense variant is not expected to disrupt RELN protein function with a negative predictive value of 80%. In summary, the available evidence is currently insufficient to determine the role of this variant in disease. Therefore, it has been classified as a Variant of Uncertain Significance.

GeneDx
Classification: Uncertain significance. Last evaluated: 2025-06-27. Review status: criteria provided, single submitter. Criteria: GeneDx Variant Classification Process June 2021. Collection method: clinical testing. Allele origin: germline. Affected: yes.
Comment: Reported previously in three individuals and one individual's mother from multiple cohorts of patients with autism or developmental delay; detailed clinical information was not provided (PMID: 33004838); Not observed at significant frequency in large population cohorts (gnomAD); In silico analysis suggests that this missense variant does not alter protein structure/function; This variant is associated with the following publications: (PMID: 33004838)

Ambry Genetics
Classification: Uncertain significance for Inborn genetic diseases. Last evaluated: 2022-08-17. Review status: criteria provided, single submitter. Criteria: Ambry Variant Classification Scheme 2023. Collection method: clinical testing. Allele origin: germline.

Literature cited by the submitters: PubMed 33004838 (cited by Labcorp Genetics (formerly Invitae), Labcorp).

NM_005045.4(RELN):c.10358G>A (p.Arg3453Gln)

Genes: RELN (reelin; minus strand), SLC26A5-AS1 (SLC26A5 antisense RNA 1; plus strand). Cytogenetic location: 7q22.1.
Variant type: single nucleotide variant.
Coding change: c.10358G>A on transcript NM_005045.4 (MANE Select); coding-DNA position 10358, G replaced by A.
Protein change: p.Arg3453Gln; replaces arginine 3453 with glutamine.
Molecular consequence: missense variant.
Genome position (GRCh38, 1-based): chr7:103,472,837, C>T on the plus strand (G>A on the coding strand, the complement: RELN is on the minus strand). VCF-style: chr7-103472837-C-T. GRCh37 (hg19) VCF-style: chr7-103113284-C-T.
Other names: c.10352G>A, p.Arg3451Gln (NM_173054.3); short protein forms R3453Q, R3451Q.
Identifiers: ClinVar variation 838111 (VCV000838111.10), dbSNP rs200731411, ClinGen allele CA4419910.